The following is an entry in ClinVar:

ClinVar aggregate classification (germline): Uncertain significance. Review status: criteria provided, multiple submitters, no conflicts (2 of 4 stars). 3 submissions from 3 submitters: Uncertain significance (3). Last evaluated 2025-04-17.

Conditions:
Emery-Dreifuss muscular dystrophy 5, autosomal dominant (EDMD5). Also called: EMERY-DREIFUSS MUSCULAR DYSTROPHY 5. Identifiers: Orphanet 261, MedGen C2751805, MONDO:0013072, OMIM 612999.

Allele frequency attached by ClinVar (database versions not stated): gnomAD exomes 0.00001 and 0.00002; TOPMed 0.00001; ExAC 0.00002; gnomAD 0.00002 and 0.00003.
gnomAD v4.1: 27 of 1,614,142 alleles (0.0017%); highest among the groups gnomAD compares: Middle Eastern, 0.016%; no homozygotes.

Submissions (3):

Ambry Genetics
Classification: Uncertain significance. Last evaluated: 2025-04-17. Review status: criteria provided, single submitter. Criteria: Ambry Variant Classification Scheme 2023. Collection method: clinical testing. Allele origin: germline.

Labcorp Genetics (formerly Invitae), Labcorp
Classification: Uncertain significance for Emery-Dreifuss muscular dystrophy 5, autosomal dominant. Last evaluated: 2023-07-06. Review status: criteria provided, single submitter. Criteria: Invitae Variant Classification Sherloc (09022015). Collection method: clinical testing. Allele origin: germline.
Comment: This sequence change replaces serine, which is neutral and polar, with leucine, which is neutral and non-polar, at codon 3388 of the SYNE2 protein (p.Ser3388Leu). In summary, the available evidence is currently insufficient to determine the role of this variant in disease. Therefore, it has been classified as a Variant of Uncertain Significance. Algorithms developed to predict the effect of missense changes on protein structure and function output the following: SIFT: "Not Available"; PolyPhen-2: "Benign"; Align-GVGD: "Not Available". The leucine amino acid residue is found in multiple mammalian species, which suggests that this missense change does not adversely affect protein function. ClinVar contains an entry for this variant (Variation ID: 1006801). This variant has not been reported in the literature in individuals affected with SYNE2-related conditions. This variant is present in population databases (rs759908590, gnomAD 0.01%).

Revvity Omics, Revvity
Classification: Uncertain significance for Emery-Dreifuss muscular dystrophy 5, autosomal dominant. Last evaluated: 2019-12-26. Review status: criteria provided, single submitter. Criteria: ACMG Guidelines, 2015. Collection method: clinical testing. Allele origin: germline.

NM_182914.3(SYNE2):c.10163C>T (p.Ser3388Leu)

Gene: SYNE2 (spectrin repeat containing nuclear envelope protein 2; plus strand). Cytogenetic location: 14q23.2.
Variant type: single nucleotide variant.
Coding change: c.10163C>T on transcript NM_182914.3 (MANE Select); coding-DNA position 10163, C replaced by T.
Protein change: p.Ser3388Leu; replaces serine 3388 with leucine.
Molecular consequence: missense variant.
Genome position (GRCh38, 1-based): chr14:64,062,846, C>T. VCF-style: chr14-64062846-C-T. GRCh37 (hg19) VCF-style: chr14-64529564-C-T.
Other names: c.10163C>T (NM_182914.2); c.10163C>T, p.Ser3388Leu (NM_015180.6); short protein forms S3388L.
Identifiers: ClinVar variation 1006801 (VCV001006801.12), dbSNP rs759908590, ClinGen allele CA7221436.
Genomic context (GRCh38, chr14:64,062,846, plus strand): 5'-AAGAGGATATTTACACTAACCTCAGCAAAATGGAGACAGTTCTTGGACAGTCCATGTCCT[C>T]GTTGCCACTGTCTTACAGAGAAGCTTTAGAGCGCTTGGAACAGAGCAAGGTAATAGTATT-3'
Protein context (NP_878918.2, residues 3378-3398): METVLGQSMS[Ser3388Leu]LPLSYREALE